The following is an entry in ClinVar:

ClinVar aggregate classification (germline): Uncertain significance (1 of 4 stars; one submission).

Conditions:
Growth hormone insensitivity with immune dysregulation 1, autosomal recessive. Also called: Laron syndrome with immunodeficiency; GROWTH HORMONE INSENSITIVITY DUE TO POSTRECEPTOR DEFECT; LARON SYNDROME DUE TO POSTRECEPTOR DEFECT; GROWTH HORMONE INSENSITIVITY SYNDROME WITH IMMUNE DYSREGULATION 1, AUTOSOMAL RECESSIVE. Identifiers: Orphanet 220465, MedGen C5435698, MONDO:0100211, OMIM 245590.

Submission:

Labcorp Genetics (formerly Invitae), Labcorp
Classification: Uncertain significance for Growth hormone insensitivity with immune dysregulation 1, autosomal recessive. Last evaluated: 2021-11-14. Review status: criteria provided, single submitter. Criteria: Invitae Variant Classification Sherloc (09022015). Collection method: clinical testing. Allele origin: germline.
Comment: This variant has not been reported in the literature in individuals affected with STAT5B-related conditions. In summary, the available evidence is currently insufficient to determine the role of this variant in disease. Therefore, it has been classified as a Variant of Uncertain Significance. Algorithms developed to predict the effect of missense changes on protein structure and function (SIFT, PolyPhen-2, Align-GVGD) all suggest that this variant is likely to be tolerated. This variant is not present in population databases (gnomAD no frequency). This sequence change replaces asparagine, which is neutral and polar, with threonine, which is neutral and polar, at codon 559 of the STAT5B protein (p.Asn559Thr).

NM_012448.4(STAT5B):c.1676A>C (p.Asn559Thr)

Gene: STAT5B (signal transducer and activator of transcription 5B; minus strand). Cytogenetic location: 17q21.2.
Variant type: single nucleotide variant.
Coding change: c.1676A>C on transcript NM_012448.4 (MANE Select); coding-DNA position 1676, A replaced by C.
Protein change: p.Asn559Thr; replaces asparagine 559 with threonine.
Molecular consequence: missense variant.
Genome position (GRCh38, 1-based): chr17:42,211,988, T>G on the plus strand (A>C on the coding strand, the complement: STAT5B is on the minus strand). VCF-style: chr17-42211988-T-G. GRCh37 (hg19) VCF-style: chr17-40364006-T-G.
Other names: short protein forms N559T.
Identifiers: ClinVar variation 1444214 (VCV001444214.6), dbSNP rs2144224348, ClinGen allele CA399578693.